The following is an entry in ClinVar:

ClinVar aggregate classification (germline): Likely benign (1 of 4 stars; one submission).

Conditions:
Malignant hyperthermia, susceptibility to, 1 (MHS1). Also called: Anesthesia related hyperthermia; Malignant hyperpyrexia; Fulminating hyperpyrexia; Pharmacogenic myopathy; Malignant hyperthermia suceptibility 1; RYR1-Related Malignant Hyperthermia Susceptibility. Identifiers: Orphanet 423, MedGen C2930980, MONDO:0007783, OMIM 145600.

Submission:

All of Us Research Program, National Institutes of Health
Classification: Likely benign for Malignant hyperthermia, susceptibility to, 1. Last evaluated: 2024-06-09. Review status: criteria provided, single submitter. Criteria: ACMG Guidelines, 2015. Collection method: clinical testing. Allele origin: germline. Inheritance: Autosomal dominant inheritance. Observed: 1 variant allele, 1 heterozygote.
Comment: This study involves interpretation of variants in research participants for the purpose of population health screening. Participant phenotype was not available at the time of variant classification. Additional details can be found in publication PMID: 35346344, PMCID: PMC8962531

NM_000540.3(RYR1):c.13374G>A (p.Gly4458=)

Gene: RYR1 (ryanodine receptor 1; plus strand). Cytogenetic location: 19q13.2.
Variant type: single nucleotide variant.
Coding change: c.13374G>A on transcript NM_000540.3 (MANE Select); coding-DNA position 13374, G replaced by A.
Protein change: p.Gly4458=; no amino-acid change (glycine 4458 retained).
Molecular consequence: synonymous variant.
Genome position (GRCh38, 1-based): chr19:38,565,708, G>A. VCF-style: chr19-38565708-G-A. GRCh37 (hg19) VCF-style: chr19-39056348-G-A.
Other names: c.13359G>A, p.Gly4453= (NM_001042723.2).
Identifiers: ClinVar variation 3385593 (VCV003385593.1).